The following is an entry in ClinVar:

NM_000173.7(GP1BA):c.1082dup (p.Asn362fs)

Gene: GP1BA (glycoprotein Ib platelet subunit alpha; plus strand). Cytogenetic location: 17p13.2.
Variant type: Duplication.
Coding change: c.1082dup on transcript NM_000173.7 (MANE Select); coding-DNA position 1082, one base duplicated (C; older notation c.1082dupC).
Protein change: p.Asn362fs; shifts the reading frame from asparagine 362.
Molecular consequence: frameshift variant.
Genome position (GRCh38, 1-based): chr17:4,933,686, C duplicated; the last of 4 consecutive C bases (chr17:4,933,683-4,933,686); duplicating any one gives the same sequence. VCF-style (leftmost placement, unchanged base first): chr17-4933682-A-AC. GRCh37 (hg19) VCF-style: chr17-4836977-A-AC.
Other names: NM_000173.7:c.1082dup; short protein forms N362fs.
Identifiers: ClinVar variation 4849258 (VCV004849258.1).

ClinVar aggregate classification (germline): Likely pathogenic (3 of 4 stars; one submission).

Conditions:
Bernard Soulier syndrome (BSS). Also called: BLEEDING DISORDER, PLATELET-TYPE, 1; PLATELET GLYCOPROTEIN Ib DEFICIENCY; VON WILLEBRAND FACTOR RECEPTOR DEFICIENCY; Platelet Glycoprotein 1b, Deficiency of; Giant platelet syndrome; Hemorrhagiparous thrombocytic dystrophy. Identifiers: Orphanet 274, MedGen C0005129, MeSH D001606, MONDO:0009276, OMIM 231200.

Submission:

ClinGen Platelet Disorders Variant Curation Expert Panel, ClinGen
Classification: Likely pathogenic for Bernard Soulier syndrome. Last evaluated: 2026-02-05. Review status: reviewed by expert panel. Criteria: ClinGen Platelet ACMG Specifications GP1BA V1.0.0. Collection method: curation. Allele origin: germline. Inheritance: Autosomal recessive inheritance.
Comment: The NM_000173.7(GP1BA):c.1082dup (p.Asn362LysfsTer20) variant in GP1BA is a frameshift variant that may cause a premature stop codon that is predicted to escape nonsense mediated decay, however the truncation includes the functionally important transmembrane domain (removes amino acids 532-553) in a gene where loss-of-function is an established disease mechanism (PVS1_Strong). This variant has been observed in the homozygous state in at least one patient (internal laboratory cohort) with less than 10% expression GPIba by flow cytometry, which is highly specific for Bernard-Soulier syndrome (1 point PP4; PP4, 0.5 points PM3; PM3_Supporting). This variant is absent from gnomAD v4 (PM2_Supporting). In summary, this variant meets the criteria to be classified as likely pathogenic for autosomal recessive Bernard-Soulier syndrome. . ACMG/AMP criteria applied, as specified by the ClinGen Platelet Disorders VCEP (specifications version 1.1.0): PVS1_Strong, PM3_Supporting, PP4, PM2_Supporting.